The following is an entry in ClinVar:

ClinVar aggregate classification (germline): Pathogenic/Likely pathogenic. Review status: criteria provided, multiple submitters, no conflicts (2 of 4 stars). 2 submissions from 2 submitters: Pathogenic (1); Likely pathogenic (1). Last evaluated 2025-01-17.

Conditions:
Factor V and factor VIII, combined deficiency of, type 1. Also called: Combined factor V and VIII deficiency; FAMILIAL MULTIPLE COAGULATION FACTOR DEFICIENCY I; MULTIPLE COAGULATION FACTOR DEFICIENCY I; FMFD I. Identifiers: Orphanet 35909, MedGen C4551981, MONDO:0009206, OMIM 227300.

Allele frequency attached by ClinVar (database versions not stated): TOPMed 0.00005; 1000 Genomes Project 30x 0.00016; 1000 Genomes Project 0.00020.
gnomAD v4.1: 27 of 1,613,902 alleles (0.0017%); highest among the groups gnomAD compares: Middle Eastern, 0.016%; no homozygotes.

Submissions (2):

First Genomix Gene Laboratory, Genetic Diagnostics Department
Classification: Pathogenic for Factor V and factor VIII, combined deficiency of, type 1. Last evaluated: 2025-01-17. Review status: criteria provided, single submitter. Criteria: ACMG Guidelines, 2015. Collection method: clinical testing. Allele origin: germline. Inheritance: Autosomal recessive inheritance. Affected: no. Observed: 1 variant allele.

NIHR Bioresource Rare Diseases, University of Cambridge
Classification: Likely pathogenic for Factor V and factor VIII, combined deficiency of, type 1. Last evaluated: 2019-02-01. Review status: criteria provided, single submitter. Criteria: ACMG Guidelines, 2015. Collection method: research. Allele origin: unknown. Affected: yes. Observed: 1 homozygote. Study: ThromboGenomics.

Literature cited by the submitters: PubMed 31064749 (cited by NIHR Bioresource Rare Diseases, University of Cambridge).

NM_005570.4(LMAN1):c.904A>T (p.Lys302Ter)

Gene: LMAN1 (lectin, mannose binding 1; minus strand). Cytogenetic location: 18q21.32.
Variant type: single nucleotide variant.
Coding change: c.904A>T on transcript NM_005570.4 (MANE Select); coding-DNA position 904, A replaced by T.
Protein change: p.Lys302Ter; replaces lysine 302 with a stop codon.
Molecular consequence: nonsense.
Genome position (GRCh38, 1-based): chr18:59,345,970, T>A on the plus strand (A>T on the coding strand, the complement: LMAN1 is on the minus strand). VCF-style: chr18-59345970-T-A. GRCh37 (hg19) VCF-style: chr18-57013202-T-A.
Other names: short protein forms K302*.
Identifiers: ClinVar variation 627401 (VCV000627401.3), dbSNP rs183873209, ClinGen allele CA8979783.